The following is an entry in ClinVar:

NM_001378454.1(ALMS1):c.5777A>G (p.Gln1926Arg)

Gene: ALMS1 (ALMS1 centrosome and basal body associated protein; plus strand). Cytogenetic location: 2p13.1.
Variant type: single nucleotide variant.
Coding change: c.5777A>G on transcript NM_001378454.1 (MANE Select); coding-DNA position 5777, A replaced by G.
Protein change: p.Gln1926Arg; replaces glutamine 1926 with arginine.
Molecular consequence: missense variant.
Genome position (GRCh38, 1-based): chr2:73,452,304, A>G. VCF-style: chr2-73452304-A-G. GRCh37 (hg19) VCF-style: chr2-73679431-A-G.
Other names: c.5780A>G, p.Gln1927Arg (NM_015120.4); short protein forms Q1927R, Q1926R.
Identifiers: ClinVar variation 556130 (VCV000556130.8), dbSNP rs376161519, ClinGen allele CA1713938.

ClinVar aggregate classification (germline): Uncertain significance. Review status: criteria provided, multiple submitters, no conflicts (2 of 4 stars). 3 submissions from 3 submitters: Uncertain significance (2). 1 of the submissions does not count toward it. Last evaluated 2024-10-16.

Conditions:
Cardiovascular phenotype. Identifiers: MedGen CN230736.
Alstrom syndrome (ALMS). Identifiers: Orphanet 64, MedGen C0268425, MONDO:0008763, OMIM 203800.

Allele frequency attached by ClinVar (database versions not stated): gnomAD exomes below 0.00001; ExAC 0.00001; gnomAD 0.00001; TOPMed 0.00001; ESP Exome Variant Server 0.00008.
gnomAD v4.1: 2 of 1,613,910 alleles (0.00012%); highest among the groups gnomAD compares: African/African-American, 0.0027%; no homozygotes.

Submissions (3):

Labcorp Genetics (formerly Invitae), Labcorp
Classification: Uncertain significance for Alstrom syndrome. Last evaluated: 2024-10-16. Review status: criteria provided, single submitter. Criteria: Invitae Variant Classification Sherloc (09022015). Collection method: clinical testing. Allele origin: germline.
Comment: This sequence change replaces glutamine, which is neutral and polar, with arginine, which is basic and polar, at codon 1927 of the ALMS1 protein (p.Gln1927Arg). This variant is present in population databases (rs376161519, gnomAD 0.007%). This variant has not been reported in the literature in individuals affected with ALMS1-related conditions. ClinVar contains an entry for this variant (Variation ID: 556130). Experimental studies and prediction algorithms are not available or were not evaluated, and the functional significance of this variant is currently unknown. In summary, the available evidence is currently insufficient to determine the role of this variant in disease. Therefore, it has been classified as a Variant of Uncertain Significance.

Ambry Genetics
Classification: Uncertain significance for Cardiovascular phenotype. Last evaluated: 2021-08-26. Review status: criteria provided, single submitter. Criteria: Ambry Variant Classification Scheme 2023. Collection method: clinical testing. Allele origin: germline.
Comment: The p.Q1927R variant (also known as c.5780A>G), located in coding exon 8 of the ALMS1 gene, results from an A to G substitution at nucleotide position 5780. The glutamine at codon 1927 is replaced by arginine, an amino acid with highly similar properties. This amino acid position is poorly conserved in available vertebrate species. In addition, this alteration is predicted to be tolerated by in silico analysis. Since supporting evidence is limited at this time, the clinical significance of this alteration remains unclear.

Counsyl
Classification: Uncertain significance for Alstrom syndrome. Last evaluated: 2018-01-15. Review status: no assertion criteria provided. Collection method: clinical testing. Allele origin: unknown. Not counted in ClinVar's aggregate classification.